The following is an entry in ClinVar:

NM_198576.4(AGRN):c.76G>A (p.Gly26Arg)

Gene: AGRN (agrin; plus strand). Cytogenetic location: 1p36.33.
Variant type: single nucleotide variant.
Coding change: c.76G>A on transcript NM_198576.4 (MANE Select); coding-DNA position 76, G replaced by A.
Protein change: p.Gly26Arg; replaces glycine 26 with arginine.
Molecular consequence: missense variant.
Genome position (GRCh38, 1-based): chr1:1,020,248, G>A. VCF-style: chr1-1020248-G-A. GRCh37 (hg19) VCF-style: chr1-955628-G-A.
Other names: c.76G>A, p.Gly26Arg (NM_001305275.2); short protein forms G26R.
Identifiers: ClinVar variation 862149 (VCV000862149.5), dbSNP rs1185534330, ClinGen allele CA337809885.
Genomic context (GRCh38, chr1:1,020,248, plus strand): 5'-CACCCGGGCCCGCTGCGGCCGCTGCTGCCGCTCCTTGTGGTGGCCGCGTGCGTCCTGCCC[G>A]GAGCCGGCGGGACATGCCCGGAGCGCGCGCTGGAGCGGCGCGAGGAGGAGGCGAACGTGG-3'
Protein context (NP_940978.2, residues 16-36): LLVVAACVLP[Gly26Arg]AGGTCPERAL

ClinVar aggregate classification (germline): Uncertain significance (1 of 4 stars; one submission).

Conditions:
Congenital myasthenic syndrome 8. Also called: MYASTHENIC SYNDROME, CONGENITAL, DUE TO AGRIN DEFICIENCY; Myasthenic syndrome, congenital, 8, with pre- and postsynaptic defects. Identifiers: Orphanet 590, MedGen C3808739, MONDO:0014052, OMIM 615120.

Allele frequency attached by ClinVar (database versions not stated): TOPMed below 0.00001; gnomAD 0.00001; gnomAD exomes 0.00001 and 0.00002.
gnomAD v4.1: 26 of 1,454,162 alleles (0.0018%); highest among the groups gnomAD compares: African/African-American, 0.0029%; no homozygotes.

Submission:

Labcorp Genetics (formerly Invitae), Labcorp
Classification: Uncertain significance for Congenital myasthenic syndrome 8. Last evaluated: 2022-08-09. Review status: criteria provided, single submitter. Criteria: Invitae Variant Classification Sherloc (09022015). Collection method: clinical testing. Allele origin: germline.
Comment: This sequence change replaces glycine, which is neutral and non-polar, with arginine, which is basic and polar, at codon 26 of the AGRN protein (p.Gly26Arg). The frequency data for this variant in the population databases is considered unreliable, as metrics indicate poor data quality at this position in the gnomAD database. This variant has not been reported in the literature in individuals affected with AGRN-related conditions. ClinVar contains an entry for this variant (Variation ID: 862149). Algorithms developed to predict the effect of missense changes on protein structure and function output the following: SIFT: "Tolerated"; PolyPhen-2: "Not Available"; Align-GVGD: "Class C0". The arginine amino acid residue is found in multiple mammalian species, which suggests that this missense change does not adversely affect protein function. Algorithms developed to predict the effect of sequence changes on RNA splicing suggest that this variant may create or strengthen a splice site. In summary, the available evidence is currently insufficient to determine the role of this variant in disease. Therefore, it has been classified as a Variant of Uncertain Significance.